The following is an entry in ClinVar:

ClinVar aggregate classification (germline): Pathogenic. Review status: reviewed by expert panel (3 of 4 stars). 20 submissions from 17 submitters: Pathogenic (1). 19 of the submissions do not count toward it. Last evaluated 2022-06-30.

Conditions:
MT-ATP6-related disorder.
Maternally-inherited spastic paraplegia. Identifiers: Orphanet 320360, MedGen C4755299, MONDO:0017917.
Primary Mitochondrial Disorders. Identifiers: MedGen CN381104.
Leigh syndrome, mitochondrial. Identifiers: MedGen CN377802, MONDO:0970944, OMIM 500017.
Mitochondrial complex 5 (ATP synthase) deficiency, mitochondrial type 1. Also called: Mitochondrial complex v (atp synthase) deficiency, mitochondrial type 1. Identifiers: MedGen C3275684, MONDO:0027069, OMIM 500015.
Mitochondrial disease. Also called: Mitochondrial disorder; Mitochondrial disorders. Identifiers: Orphanet 68380, MedGen C0751651, MeSH D028361, MONDO:0044970.
Striatonigral degeneration, infantile, mitochondrial. Also called: BILATERAL STRIATAL NECROSIS, INFANTILE, MITOCHONDRIAL. Identifiers: MedGen C1839022, MONDO:0010774, OMIM 500003.
Leber optic atrophy (LHON). Also called: Leber hereditary optic neuropathy; Leber's disease; Leber's optic atrophy; Optic Atrophy, Hereditary, Leber. Identifiers: Orphanet 104, MedGen C0917796, MONDO:0010788, OMIM 535000, HP:0001112.
NARP syndrome. Also called: NEUROPATHY, ATAXIA, AND RETINITIS PIGMENTOSA; NARP. Identifiers: Orphanet 644, MedGen C1328349, MONDO:0010794, OMIM 551500.
Leigh syndrome (NULS). Also called: Leigh's syndrome; Subacute necrotizing encephalopathy; Necrotizing encephalopathy infantile subacute of Leigh; Leigh's necrotizing encephalopathy; Leigh's disease; LEIGH SYNDROME, NUCLEAR. Identifiers: Orphanet 506, MedGen C2931891, MONDO:0009723, OMIM 256000.

Submissions 1 to 10 of 20:

ClinGen Mitochondrial Disease Nuclear and Mitochondrial  Variant Curation Expert Panel, ClinGen
Classification: Pathogenic for Mitochondrial disease. Last evaluated: 2022-06-30. Review status: reviewed by expert panel. Criteria: clingen mito disease acmg specifications v1-1. Collection method: curation. Allele origin: germline. Inheritance: Mitochondrial inheritance.
Comment: The m.9176T>C (p.L217P) variant in MT-ATP6 has been reported in more than 16 unrelated individuals with features of primary mitochondrial disease. Affected individuals had variable ages of onset (first months of life to 20s). Features included Leigh syndrome (including several cases with adult-onset Leigh syndrome) and NARP, as well as seizures, ataxia, muscle weakness, dystonia, axonal neuropathy, migraines, sensorineural hearing loss, hypertrophic cardiomyopathy, ophthalmoplegia, ptosis, and pigmentary retinopathy. Heteroplasmy levels were generally >90% in affected individuals (PS4; PMIDs: 17209980, 15709156, 11198506, 27408822, 30136164, 20656066, 21819970, 19747204, 9631394, 9501263, 9270604, 7668837). There are no reports of de novo occurrences of this variant. This variant segregated with disease in multiple affected members in multiple families and several healthy family members had lower to undetectable levels of the variant (PP1_moderate; PMIDs: 21819970, 9270604, 7668837). This variant is present in three sequences from GenBank dataset, however 2/3 sequences are from individuals with primary mitochondrial disease. This variant is not present in the homoplasmic state in any individuals in the gnomAD v3.1.2 dataset, however two individuals have this variant in the 50-60% heteroplasmy range and one in the 80-90% heteroplasmy range. There is one homoplasmic occurrence in the Helix dataset. This variant is located at the same amino acid position as another well-known pathogenic variant, m.9176T>G (p.L217R) (PM5). While cybrid studies were performed (PMID: 19160410), there was insufficient evidence reported to meet criteria for cybrid scoring per the specified guidelines for variant curation. Studies in yeast (PMID: 20056103) support the functional impact of this variant (PS3_supporting). The computational predictor APOGEE gives a consensus rating of pathogenic with a score of 0.92 (Min=0, Max=1), which predicts a damaging effect on gene function (PP3). In summary, this variant meets criteria to be classified as pathogenic for primary mitochondrial disease inherited in a mitochondrial manner. This classification was approved by the NICHD/NINDS U24 Mitochondrial Disease Variant Curation Expert Panel on January 24, 2022. Mitochondrial DNA-specific ACMG/AMP criteria applied: PS3_supporting, PS4, PP1_moderate, PM5, PP3.

Variantyx, Inc.
Classification: Pathogenic for Primary mitochondrial disorders. Last evaluated: 2025-12-19. Review status: criteria provided, single submitter. Criteria: Variantyx Assertion Criteria 2022. Collection method: clinical testing. Allele origin: germline. Affected: yes. Not counted in ClinVar's aggregate classification.
Comment: The m.9176T>C, c.650T>C, p.Leu217Pro change is a nonsynonymous single nucleotide variant in the MT-ATP6 gene. Pathogenic variants in this gene have been associated with primary mitochondrial disorders. This variant has been reported in several unrelated affected individuals (PMID: 7668837, 9270604, 9501263, 9631394, 20056103, 20656066, 21819970, 30136164, 31625254, 34037856, 34800692) (PS4) and it has been observed to segregate with disease in at least 5 individuals from one family. Unaffected family members may have lower to undetectable levels of the variant (PMID: 20656066) (PP1). An alternate amino acid change at this position (p.Leu217Arg) has been previously reported as pathogenic (PM5). Computational algorithms support a deleterious effect on the gene or gene product (PP3). This variant is absent from control populations (PM2). Other reputable laboratories have reported this variant as pathogenic or likely pathogenic, and this classification has been validated by an expert panel in ClinVar (PP5). Based on the current evidence, this variant is classified as pathogenic for primary mitochondrial disorders.

3billion
Classification: Pathogenic for MT-ATP6-related disorder. Last evaluated: 2025-06-19. Review status: criteria provided, single submitter. Criteria: ACMG Guidelines, 2015. Collection method: clinical testing. Allele origin: germline. Affected: yes. Not counted in ClinVar's aggregate classification.
Comment: The variant is observed at an extremely low frequency in the gnomAD v4.1.0 dataset (heteroplasmic allele frequency: 0.005%). Predicted Consequence/Location: Mitochondrial variant In silico tool predictions suggest damaging effect of the variant on gene or gene product [APOGEE2: 0.97 (>= 0.716)]. The same nucleotide change resulting in the same amino acid change has been previously reported as pathogenic/likely pathogenic with strong evidence (3billion dataset/ClinVar ID: VCV000009644). The variant has been observed in multiple (>3) similarly affected unrelated individuals (PMID: 7668837, 9270604, 9501263, 9631394). Therefore, this variant is classified as Pathogenic according to the recommendation of ACMG/AMP guideline.

Centre for Clinical Genetics and Genomic Diagnostics, Zealand University Hospital
Classification: Pathogenic. Last evaluated: 2025-04-30. Review status: criteria provided, single submitter. Criteria: ACMG Guidelines, 2015. Collection method: clinical testing. Allele origin: germline. Affected: yes. Not counted in ClinVar's aggregate classification.

SingHealth Duke-NUS Institute of Precision Medicine
Classification: Likely pathogenic for NARP syndrome. Last evaluated: 2025-02-05. Review status: criteria provided, single submitter. Criteria: PRISM ACMG Classification Criteria. Collection method: clinical testing. Allele origin: germline. Affected: yes. Not counted in ClinVar's aggregate classification.
Comment: ClinGen has curated this variant. In addition, cosegregation with disease is observed in multiple families in multiple studies (PMID:21819970;9270604;7668837)

Rady Children's Institute for Genomic Medicine, Rady Children's Hospital San Diego
Classification: Pathogenic for Mitochondrial disorders. Last evaluated: 2025-01-15. Review status: criteria provided, single submitter. Criteria: ACMG Guidelines, 2015. Collection method: clinical testing. Allele origin: germline. Affected: yes. Not counted in ClinVar's aggregate classification.
Comment: This is a known Pathogenic variant that has been previously reported as a heteroplasmic and homoplasmic change in individuals with mitochondrial disorders (PMID: 17209980, 15709156, 11198506, 27408822, 30136164, 20656066, 21819970, 19747204, 9631394, 9501263, 9270604, 7668837). Functional studies in yeast demonstrated that the m.9176T>C (p.Leu217Pro) variant results in a decreased rate of ATP synthesis and reduced oxidative phosphorylation capacity (PMID: 20056103). In silico analyses support a deleterious effect of the m.9176T>C (p.Leu217Pro) variant on protein function. It is present as a heteroplasmic variant in the latest version of the gnomAD population database at a frequency of 0.005% (3/56433) and thus is presumed to be rare. Based on the available evidence, m.9176T>C (p.Leu217Pro) is classified as Pathogenic.

Institute of Human Genetics, University of Leipzig Medical Center
Classification: Pathogenic for Leigh syndrome. Last evaluated: 2024-03-28. Review status: criteria provided, single submitter. Criteria: ACMG Guidelines, 2015. Collection method: clinical testing. Allele origin: unknown. Inheritance: Mitochondrial inheritance. Affected: yes. Not counted in ClinVar's aggregate classification.
Comment: Criteria applied: PS4,PM5,PP1_MOD,PS3_SUP,PM2_SUP

Institute of Human Genetics, University of Leipzig Medical Center
Classification: Pathogenic for Maternally-inherited spastic paraplegia. Last evaluated: 2023-11-23. Review status: criteria provided, single submitter. Criteria: ACMG Guidelines, 2015. Collection method: clinical testing. Allele origin: unknown. Inheritance: Mitochondrial inheritance. Affected: yes. Not counted in ClinVar's aggregate classification.
Comment: Criteria applied: PS4,PM5,PP1_MOD,PS3_SUP,PM2_SUP,PP3

Institute of Medical Genetics and Applied Genomics, University Hospital Tübingen
Classification: Pathogenic for Maternally-inherited spastic paraplegia. Last evaluated: 2022-06-01. Review status: criteria provided, single submitter. Criteria: ACMG Guidelines, 2015. Collection method: clinical testing. Allele origin: germline. Inheritance: Mitochondrial inheritance. Affected: yes. Not counted in ClinVar's aggregate classification.

Mendelics
Classification: Pathogenic for Leber optic atrophy. Last evaluated: 2022-05-04. Review status: criteria provided, single submitter. Criteria: Mendelics Assertion Criteria 2019. Collection method: clinical testing. Allele origin: germline. Not counted in ClinVar's aggregate classification.

NC_012920.1(MT-ATP6):m.9176T>C

Gene: MT-ATP6 (mitochondrially encoded ATP synthase 6; plus strand).
Variant type: single nucleotide variant.
Genome position: chrM-9176-T-C.
Other names: 9176T-C.
Identifiers: ClinVar variation 9644 (VCV000009644.53), dbSNP rs199476135, ClinGen allele CA120597.